The following is an entry in ClinVar:

ClinVar aggregate classification (germline): Uncertain significance. Review status: criteria provided, multiple submitters, no conflicts (2 of 4 stars). 2 submissions from 2 submitters: Uncertain significance (2). Last evaluated 2022-04-30.

Conditions:
Short-rib thoracic dysplasia 11 with or without polydactyly (SRTD11). Also called: SHORT-RIB THORACIC DYSPLASIA 11 WITHOUT POLYDACTYLY. Identifiers: Orphanet 474, Orphanet 93271, MedGen C3810200, MONDO:0014287, OMIM 615633.

Submissions (2):

Labcorp Genetics (formerly Invitae), Labcorp
Classification: Uncertain significance for Short-rib thoracic dysplasia 11 with or without polydactyly. Last evaluated: 2022-04-30. Review status: criteria provided, single submitter. Criteria: Invitae Variant Classification Sherloc (09022015). Collection method: clinical testing. Allele origin: germline.
Comment: This sequence change falls in intron 8 of the WDR34 gene. It does not directly change the encoded amino acid sequence of the WDR34 protein. It affects a nucleotide within the consensus splice site. This variant is present in population databases (rs772722096, gnomAD 0.0009%). This variant has not been reported in the literature in individuals affected with WDR34-related conditions. ClinVar contains an entry for this variant (Variation ID: 1314640). Variants that disrupt the consensus splice site are a relatively common cause of aberrant splicing (PMID: 17576681, 9536098). Algorithms developed to predict the effect of sequence changes on RNA splicing suggest that this variant may disrupt the consensus splice site. In summary, the available evidence is currently insufficient to determine the role of this variant in disease. Therefore, it has been classified as a Variant of Uncertain Significance.

GeneDx
Classification: Uncertain significance. Last evaluated: 2020-01-20. Review status: criteria provided, single submitter. Criteria: GeneDx Variant Classification Process June 2021. Collection method: clinical testing. Allele origin: germline. Affected: yes.
Comment: Not observed at a significant frequency in large population cohorts (Lek et al., 2016); Has not been previously published as pathogenic or benign to our knowledge; In-silico analysis, which includes splice predictors and evolutionary conservation, is inconclusive as to whether the variant alters gene splicing. In the absence of RNA/functional studies, the actual effect of this sequence change is unknown.

Literature cited by the submitters: PubMed 17576681 (cited by Labcorp Genetics (formerly Invitae), Labcorp); PubMed 9536098 (cited by Labcorp Genetics (formerly Invitae), Labcorp).

NM_052844.4(DYNC2I2):c.1372+5del

Gene: DYNC2I2 (dynein 2 intermediate chain 2; minus strand). Cytogenetic location: 9q34.11.
Variant type: Deletion.
Coding change: c.1372+5del on transcript NM_052844.4 (MANE Select); 5 bases into the intron after coding-DNA position 1372, one base deleted (G; older notation c.1372+5delG).
Molecular consequence: intron variant.
Genome position (GRCh38, 1-based): chr9:128,634,221, C deleted on the plus strand (G on the coding strand, the reverse complement: DYNC2I2 is on the minus strand); the first of 2 consecutive C bases (chr9:128,634,221-128,634,222); deleting either gives the same sequence. VCF-style (leftmost placement, unchanged base first): chr9-128634220-TC-T. GRCh37 (hg19) VCF-style: chr9-131396499-TC-T.
Identifiers: ClinVar variation 1314640 (VCV001314640.3), dbSNP rs772722096, ClinGen allele CA5266243.